The following is an entry in ClinVar:

NM_005219.5(DIAPH1):c.1856C>T (p.Pro619Leu)

Gene: DIAPH1 (diaphanous related formin 1; minus strand). Cytogenetic location: 5q31.3.
Variant type: single nucleotide variant.
Coding change: c.1856C>T on transcript NM_005219.5 (MANE Select); coding-DNA position 1856, C replaced by T.
Protein change: p.Pro619Leu; replaces proline 619 with leucine.
Molecular consequence: missense variant.
Genome position (GRCh38, 1-based): chr5:141,573,994, G>A on the plus strand (C>T on the coding strand, the complement: DIAPH1 is on the minus strand). VCF-style: chr5-141573994-G-A. GRCh37 (hg19) VCF-style: chr5-140953561-G-A.
Other names: c.1829C>T, p.Pro610Leu (NM_001079812.3); c.1856C>T, p.Pro619Leu (NM_001314007.2); short protein forms P610L, P619L.
Identifiers: ClinVar variation 1309747 (VCV001309747.5), dbSNP rs2154596301, ClinGen allele CA361520570.

ClinVar aggregate classification (germline): Uncertain significance. Review status: criteria provided, multiple submitters, no conflicts (2 of 4 stars). 2 submissions from 2 submitters: Uncertain significance (2). Last evaluated 2022-12-09.

Conditions:
Progressive microcephaly-seizures-cortical blindness-developmental delay syndrome. Also called: Seizures, cortical blindness, and microcephaly syndrome. Identifiers: Orphanet 477814, MedGen C5567650, MONDO:0014714, OMIM 616632.
Autosomal dominant nonsyndromic hearing loss 1. Also called: DEAFNESS, AUTOSOMAL DOMINANT 1, WITH OR WITHOUT THROMBOCYTOPENIA; KONIGSMARK SYNDROME. Identifiers: Orphanet 90635, MedGen C1852282, MONDO:0007424, OMIM 124900.

Submissions (2):

Labcorp Genetics (formerly Invitae), Labcorp
Classification: Uncertain significance for Progressive microcephaly-seizures-cortical blindness-developmental delay syndrome; Autosomal dominant nonsyndromic hearing loss 1. Last evaluated: 2022-12-09. Review status: criteria provided, single submitter. Criteria: Invitae Variant Classification Sherloc (09022015). Collection method: clinical testing. Allele origin: germline.
Comment: In summary, the available evidence is currently insufficient to determine the role of this variant in disease. Therefore, it has been classified as a Variant of Uncertain Significance. Algorithms developed to predict the effect of missense changes on protein structure and function output the following: SIFT: "Tolerated"; PolyPhen-2: "Not Available"; Align-GVGD: "Class C0". The leucine amino acid residue is found in multiple mammalian species, which suggests that this missense change does not adversely affect protein function. ClinVar contains an entry for this variant (Variation ID: 1309747). This variant has not been reported in the literature in individuals affected with DIAPH1-related conditions. This variant is not present in population databases (gnomAD no frequency). This sequence change replaces proline, which is neutral and non-polar, with leucine, which is neutral and non-polar, at codon 619 of the DIAPH1 protein (p.Pro619Leu).

GeneDx
Classification: Uncertain significance. Last evaluated: 2019-10-30. Review status: criteria provided, single submitter. Criteria: GeneDx Variant Classification Process June 2021. Collection method: clinical testing. Allele origin: germline. Affected: yes.
Comment: Not observed in large population cohorts (Lek et al., 2016); In silico analysis, which includes protein predictors and evolutionary conservation, supports that this variant does not alter protein structure/function; Has not been previously published as pathogenic or benign to our knowledge